The following is an entry in ClinVar:

NM_001035.3(RYR2):c.8886C>G (p.Phe2962Leu)

Gene: RYR2 (ryanodine receptor 2; plus strand). Cytogenetic location: 1q43.
Variant type: single nucleotide variant.
Coding change: c.8886C>G on transcript NM_001035.3 (MANE Select); coding-DNA position 8886, C replaced by G.
Protein change: p.Phe2962Leu; replaces phenylalanine 2962 with leucine.
Molecular consequence: missense variant.
Genome position (GRCh38, 1-based): chr1:237,678,103, C>G. VCF-style: chr1-237678103-C-G. GRCh37 (hg19) VCF-style: chr1-237841403-C-G.
Other names: short protein forms F2962L.
Identifiers: ClinVar variation 4086330 (VCV004086330.1).

ClinVar aggregate classification (germline): Uncertain significance (1 of 4 stars; one submission).

gnomAD v4.1: 8 of 1,585,470 alleles (0.0005%); highest among the groups gnomAD compares: African/African-American, 0.0054%; no homozygotes.

Submission:

GeneDx
Classification: Uncertain significance. Last evaluated: 2025-03-18. Review status: criteria provided, single submitter. Criteria: GeneDx Variant Classification Process June 2021. Collection method: clinical testing. Allele origin: germline. Affected: yes.
Comment: Not observed at significant frequency in large population cohorts (gnomAD); In silico analysis supports that this missense variant has a deleterious effect on protein structure/function; Has not been previously published as pathogenic or benign to our knowledge; Not located in one of the three hot-spot regions of the RYR2 gene, where the majority of pathogenic missense variants occur (PMID: 19926015); This variant is associated with the following publications: (PMID: 19926015)